The following is an entry in ClinVar:

ClinVar aggregate classification (germline): Benign (0 of 4 stars; one submission).

Conditions:
TET3-related disorder. Also called: TET3-Related Disease; TET3-related condition.

Allele frequency attached by ClinVar (database versions not stated): gnomAD exomes 0.00088; ExAC 0.00298; ESP Exome Variant Server 0.00815; gnomAD 0.00831; TOPMed 0.00912; 1000 Genomes Project 0.01138; 1000 Genomes Project 30x 0.01234.
gnomAD v4.1: 2,618 of 1,611,846 alleles (0.16%); highest among the groups gnomAD compares: African/African-American, 3%; 40 homozygotes.

Submission:

PreventionGenetics, part of Exact Sciences
Classification: Benign for TET3-related condition. Last evaluated: 2019-12-05. Review status: no assertion criteria provided. Collection method: clinical testing. Allele origin: germline.
Comment: This variant is classified as benign based on ACMG/AMP sequence variant interpretation guidelines (Richards et al. 2015 PMID: 25741868, with internal and published modifications).

NM_001287491.2(TET3):c.4734C>T (p.Ala1578=)

Gene: TET3 (tet methylcytosine dioxygenase 3; plus strand). Cytogenetic location: 2p13.1.
Variant type: single nucleotide variant.
Coding change: c.4734C>T on transcript NM_001287491.2 (MANE Select); coding-DNA position 4734, C replaced by T.
Protein change: p.Ala1578=; no amino-acid change (alanine 1578 retained).
Molecular consequence: synonymous variant.
Genome position (GRCh38, 1-based): chr2:74,101,522, C>T. VCF-style: chr2-74101522-C-T. GRCh37 (hg19) VCF-style: chr2-74328649-C-T.
Other names: c.4455C>T, p.Ala1485= (NM_001366022.1); c.4329C>T, p.Ala1443= (NM_144993.1).
Identifiers: ClinVar variation 3044226 (VCV003044226.2), dbSNP rs113467129, ClinGen allele CA1719288.
Genomic context (GRCh38, chr2:74,101,522, plus strand): 5'-CCCCATGAAAGGAGAGGAGGGCAGGATTCCAGCCGCAGGGGCCAGCCAGCTGGACAGGGC[C>T]TGGCAGTCCTTTGGTCTGCCCCTGGGATCCAGCGAGAAGCTGTTTGGGGCTCTGAAGTCA-3'
Protein context (NP_001274420.1, residues 1568-1588): PAAGASQLDR[Ala1578=]WQSFGLPLGS